The following is an entry in ClinVar:

ClinVar aggregate classification (germline): Pathogenic (1 of 4 stars; one submission).

Conditions:
Inborn genetic diseases. Identifiers: MedGen C0950123, MeSH D030342.

gnomAD v4.1: 2 of 1,613,114 alleles (0.00012%); highest among the groups gnomAD compares: Non-Finnish European, 0.000085%; no homozygotes.

Submission:

Ambry Genetics
Classification: Pathogenic for Inborn genetic diseases. Last evaluated: 2025-03-24. Review status: criteria provided, single submitter. Criteria: Ambry Variant Classification Scheme 2023. Collection method: clinical testing. Allele origin: germline.
Comment: The c.1634G>A (p.W545*) alteration, located in exon 7 (coding exon 6) of the KIF7 gene, consists of a G to A substitution at nucleotide position 1634. This changes the amino acid from a tryptophan (W) to a stop codon at amino acid position 545. This alteration is expected to result in loss of function by premature protein truncation or nonsense-mediated mRNA decay. Based on data from gnomAD, this allele has an overall frequency of <0.001% (1/245520) total alleles studied. The highest observed frequency was <0.001% of alleles. Based on the available evidence, this alteration is classified as pathogenic.

NM_198525.3(KIF7):c.1634G>A (p.Trp545Ter)

Gene: KIF7 (kinesin family member 7; minus strand). Cytogenetic location: 15q26.1.
Variant type: single nucleotide variant.
Coding change: c.1634G>A on transcript NM_198525.3 (MANE Select); coding-DNA position 1634, G replaced by A.
Protein change: p.Trp545Ter; replaces tryptophan 545 with a stop codon.
Molecular consequence: nonsense.
Genome position (GRCh38, 1-based): chr15:89,646,984, C>T on the plus strand (G>A on the coding strand, the complement: KIF7 is on the minus strand). VCF-style: chr15-89646984-C-T. GRCh37 (hg19) VCF-style: chr15-90190215-C-T.
Other names: short protein forms W545*.
Identifiers: ClinVar variation 4043576 (VCV004043576.1).